The following is an entry in ClinVar:

NM_000399.5(EGR2):c.382_387del (p.Ala128_Ser129del)

Gene: EGR2 (early growth response 2; minus strand). Cytogenetic location: 10q21.3.
Variant type: Deletion.
Coding change: c.382_387del on transcript NM_000399.5 (MANE Select); coding-DNA positions 382 to 387, 6 bases deleted (GCTTCA; older notation c.382_387delGCTTCA).
Protein change: p.Ala128_Ser129del.
Molecular consequence: inframe deletion.
Genome position (GRCh38, 1-based): chr10:62,814,251-62,814,256, TGAAGC deleted on the plus strand (GCTTCA on the coding strand, the reverse complement: EGR2 is on the minus strand); deleting any 6 consecutive bases within chr10:62,814,251-62,814,258 gives the same sequence; the c. name uses the placement nearest the transcript's 3' end. VCF-style (leftmost placement, unchanged base first): chr10-62814250-TTGAAGC-T. GRCh37 (hg19) VCF-style: chr10-64574010-TTGAAGC-T.
Other names: c.382_387del, p.Ala128_Ser129del (NM_001136177.3, NM_001136178.2); c.232_237del, p.Ala78_Ser79del (NM_001136179.3, NM_001321037.2).
Identifiers: ClinVar variation 1412878 (VCV001412878.8), dbSNP rs780288079, ClinGen allele CA5517287.

ClinVar aggregate classification (germline): Uncertain significance (1 of 4 stars; one submission).

Conditions:
Charcot-Marie-Tooth disease, type I (CMT1). Also called: Charcot-Marie-Tooth disease type 1; Charcot-Marie-Tooth, Type 1. Identifiers: Orphanet 65753, MedGen C0751036, MONDO:0019011.

Submission:

Labcorp Genetics (formerly Invitae), Labcorp
Classification: Uncertain significance for Charcot-Marie-Tooth disease, type I. Last evaluated: 2024-02-03. Review status: criteria provided, single submitter. Criteria: Invitae Variant Classification Sherloc (09022015). Collection method: clinical testing. Allele origin: germline.
Comment: This variant, c.382_387del, results in the deletion of 2 amino acid(s) of the EGR2 protein (p.Ala128_Ser129del), but otherwise preserves the integrity of the reading frame. This variant is present in population databases (rs780288079, gnomAD 0.002%). This variant has not been reported in the literature in individuals affected with EGR2-related conditions. ClinVar contains an entry for this variant (Variation ID: 1412878). Experimental studies and prediction algorithms are not available or were not evaluated, and the functional significance of this variant is currently unknown. In summary, the available evidence is currently insufficient to determine the role of this variant in disease. Therefore, it has been classified as a Variant of Uncertain Significance.